The following is an entry in ClinVar:

ClinVar aggregate classification (germline): Uncertain significance (0 of 4 stars; one submission).

Conditions:
CHD5-related disorder. Also called: CHD5-related condition.

gnomAD v4.1: 19 of 1,592,056 alleles (0.0012%); highest among the groups gnomAD compares: African/African-American, 0.02%; no homozygotes.

Submission:

PreventionGenetics, part of Exact Sciences
Classification: Uncertain significance for CHD5-related condition. Last evaluated: 2024-06-24. Review status: no assertion criteria provided. Collection method: clinical testing. Allele origin: germline.
Comment: The CHD5 c.968G>A variant is predicted to result in the amino acid substitution p.Ser323Asn. To our knowledge, this variant has not been reported in the literature. This variant is reported in 0.028% of alleles in individuals of African descent in gnomAD, which may be too common to be an undocumented primary cause of disease. Although we suspect that this variant may be benign, at this time, the clinical significance of this variant is uncertain due to the absence of conclusive functional and genetic evidence.

NM_015557.3(CHD5):c.968G>A (p.Ser323Asn)

Gene: CHD5 (chromodomain helicase DNA binding protein 5; minus strand). Cytogenetic location: 1p36.31.
Variant type: single nucleotide variant.
Coding change: c.968G>A on transcript NM_015557.3 (MANE Select); coding-DNA position 968, G replaced by A.
Protein change: p.Ser323Asn; replaces serine 323 with asparagine.
Molecular consequence: missense variant.
Genome position (GRCh38, 1-based): chr1:6,151,058, C>T on the plus strand (G>A on the coding strand, the complement: CHD5 is on the minus strand). VCF-style: chr1-6151058-C-T. GRCh37 (hg19) VCF-style: chr1-6211118-C-T.
Other names: short protein forms S323N.
Identifiers: ClinVar variation 3351468 (VCV003351468.1).